The following is an entry in ClinVar:

ClinVar aggregate classification (germline): Uncertain significance (1 of 4 stars; one submission).

Conditions:
TMEM67-related disorder. Also called: TMEM67-related disorders; TMEM67-related condition. Identifiers: MedGen CN239423.

Submission:

PreventionGenetics, part of Exact Sciences
Classification: Uncertain significance for TMEM67-related condition. Last evaluated: 2026-04-13. Review status: criteria provided, single submitter. Criteria: ACMG Guidelines, 2015. Collection method: clinical testing. Allele origin: germline.
Comment: The TMEM67 c.1390G>A variant is predicted to result in the amino acid substitution p.Val464Ile. To our knowledge, this variant has not been reported in the literature or in a large population database (gnomAD), indicating this variant is rare. At this time, the clinical significance of this variant is uncertain due to the absence of conclusive functional and genetic evidence.

NM_153704.6(TMEM67):c.1390G>A (p.Val464Ile)

Gene: TMEM67 (transmembrane protein 67; plus strand). Cytogenetic location: 8q22.1.
Variant type: single nucleotide variant.
Coding change: c.1390G>A on transcript NM_153704.6 (MANE Select); coding-DNA position 1390, G replaced by A.
Protein change: p.Val464Ile; replaces valine 464 with isoleucine.
Molecular consequence: missense variant. On other transcripts: non-coding transcript variant (1).
Genome position (GRCh38, 1-based): chr8:93,786,324, G>A. VCF-style: chr8-93786324-G-A. GRCh37 (hg19) VCF-style: chr8-94798552-G-A.
Other names: c.1147G>A, p.Val383Ile (NM_001142301.1); short protein forms V383I, V464I.
Identifiers: ClinVar variation 4991754 (VCV004991754.1).
Genomic context (GRCh38, chr8:93,786,324, plus strand): 5'-TTAGTGGATGCAGTAAGTGGACGAGAAAATGACTTAGGAACTCAGCCAAGAGTAATTCGA[G>A]TTGCTACTCAAATATCACTGAGGTAAACAAATGTCTAATGATATTATTTATGGGAAAATA-3'
Protein context (NP_714915.3, residues 454-474): DLGTQPRVIR[Val464Ile]ATQISLSVHL